The following is an entry in ClinVar:

ClinVar aggregate classification (germline): Pathogenic (1 of 4 stars; one submission).

Conditions:
Tuberous sclerosis 2 (TSC2). Identifiers: Orphanet 805, MedGen C1860707, MONDO:0013199, OMIM 613254.

Submission:

Labcorp Genetics (formerly Invitae), Labcorp
Classification: Pathogenic for Tuberous sclerosis 2. Last evaluated: 2016-04-07. Review status: criteria provided, single submitter. Criteria: Invitae Variant Classification Sherloc (09022015). Collection method: clinical testing. Allele origin: germline.
Comment: This variant is a gross deletion of the genomic region encompassing exons 4-11 of the TSC2 gene. This leads to an in-frame deletion, preserving the integrity of the reading frame. This gross deletion encompasses a portion of the coiled-coil domain in TSC2 (amino acids 346‚Äì371) that mediates the interaction with TSC1 (PMID: 11741833, 9580671). An in-frame deletion of a single amino acid (p.Ile365del) in this region disrupts TSC1 binding (PMID: 11741833) and has been reported in multiple TSC patients (PMID: 10205261, 11112665), further emphasizing the importance of this domain. Deletions of exons 4-11 of TSC2 have not been reported in the literature. For these reasons, this variant has been classified as Pathogenic.

Literature cited by the submitters: PubMed 11741833; PubMed 9580671; PubMed 10205261; PubMed 11112665.

NC_000016.9:g.(?_2103337)_(2110820_?)del

Gene: TSC2 (TSC complex subunit 2; plus strand). Cytogenetic location: 16p13.3.
Variant type: Deletion.
Identifiers: ClinVar variation 1069474 (VCV001069474.7).